The following is an entry in ClinVar:

ClinVar aggregate classification (germline): Pathogenic (1 of 4 stars; one submission).

Conditions:
Inborn genetic diseases. Identifiers: MedGen C0950123, MeSH D030342.

Submission:

Ambry Genetics
Classification: Pathogenic for Inborn genetic diseases. Last evaluated: 2025-01-24. Review status: criteria provided, single submitter. Criteria: Ambry Variant Classification Scheme 2023. Collection method: clinical testing. Allele origin: germline.
Comment: The c.940dupT (p.W314Lfs*11) alteration, located in exon 9 (coding exon 8) of the CHD2 gene, consists of a duplication of T at position 940, causing a translational frameshift with a predicted alternate stop codon after 11 amino acids. This alteration is expected to result in loss of function by premature protein truncation or nonsense-mediated mRNA decay. This variant was not reported in population-based cohorts in the Genome Aggregation Database (gnomAD). Based on the available evidence, this alteration is classified as pathogenic.

NM_001271.4(CHD2):c.940dup (p.Trp314fs)

Gene: CHD2 (chromodomain helicase DNA binding protein 2; plus strand). Cytogenetic location: 15q26.1.
Variant type: Duplication.
Coding change: c.940dup on transcript NM_001271.4 (MANE Select); coding-DNA position 940, one base duplicated (T; older notation c.940dupT).
Protein change: p.Trp314fs; shifts the reading frame from tryptophan 314.
Molecular consequence: frameshift variant.
Genome position (GRCh38, 1-based): chr15:92,942,956, T duplicated; the last of 2 consecutive T bases (chr15:92,942,955-92,942,956); duplicating either gives the same sequence. VCF-style (leftmost placement, unchanged base first): chr15-92942954-G-GT. GRCh37 (hg19) VCF-style: chr15-93486184-G-GT.
Other names: c.940dup, p.Trp314fs (NM_001042572.3); short protein forms W314fs.
Identifiers: ClinVar variation 3832774 (VCV003832774.1).
Genomic context (GRCh38, chr15:92,942,954, plus strand): 5'-GTGGTGACTTTGACACTGAAAAGGATGAAGGTGAAATCCAGTACCTCATCAAGTGGAAGG[G>GT]TTGGTCTTACATCCACAGCACATGGGAGAGTGAAGAATCCTTACAGCAACAGAAAGTGAA-3'